The following is an entry in ClinVar:

ClinVar aggregate classification (germline): Benign/Likely benign. Review status: criteria provided, multiple submitters, no conflicts (2 of 4 stars). 3 submissions from 3 submitters: Benign (2); Likely benign (1). Last evaluated 2026-09-01.

Allele frequency attached by ClinVar (database versions not stated): gnomAD 0.00945; ExAC 0.00507; TOPMed 0.00866; gnomAD exomes 0.01113 and 0.00929; 1000 Genomes Project 0.00339; 1000 Genomes Project 30x 0.00390.
gnomAD v4.1: 7,570 of 702,948 alleles (1.1%); highest among the groups gnomAD compares: Non-Finnish European, 1.4%; 62 homozygotes.

Submissions (3):

CeGaT Center for Human Genetics Tuebingen
Classification: Benign. Last evaluated: 2026-09-01. Review status: criteria provided, single submitter. Criteria: CeGaT Center For Human Genetics Tuebingen Variant Classification Criteria Version 2. Collection method: clinical testing. Allele origin: germline. Affected: yes. Observed: 18 variant alleles.
Comment: RIPOR2: BP4, BS1, BS2

Genomic Medicine Center of Excellence, King Faisal Specialist Hospital and Research Centre
Classification: Likely benign. Last evaluated: 2025-08-18. Review status: criteria provided, single submitter. Criteria: ACMG Guidelines, 2015. Collection method: clinical testing. Allele origin: germline.

Athena Diagnostics
Classification: Benign. Last evaluated: 2019-02-20. Review status: criteria provided, single submitter. Criteria: Athena Diagnostics Criteria. Collection method: clinical testing. Allele origin: germline.

NM_001286446.3(RIPOR2):c.43T>C (p.Trp15Arg)

Gene: RIPOR2 (RHO family interacting cell polarization regulator 2; minus strand). Cytogenetic location: 6p22.3.
Variant type: single nucleotide variant.
Coding change: c.43T>C on transcript NM_001286446.3; coding-DNA position 43, T replaced by C.
Protein change: p.Trp15Arg; replaces tryptophan 15 with arginine.
Molecular consequence: missense variant.
Genome position (GRCh38, 1-based): chr6:25,041,884, A>G on the plus strand (T>C on the coding strand, the complement: RIPOR2 is on the minus strand). VCF-style: chr6-25041884-A-G. GRCh37 (hg19) VCF-style: chr6-25042112-A-G.
Other names: short protein forms W15R.
Identifiers: ClinVar variation 805272 (VCV000805272.31), dbSNP rs148823241, ClinGen allele CA3659669.